The following is an entry in ClinVar:

ClinVar aggregate classification (germline): Uncertain significance (1 of 4 stars; one submission).

gnomAD v4.1: 3 of 1,614,120 alleles (0.00019%); highest among the groups gnomAD compares: Non-Finnish European, 0.00025%; no homozygotes.

Submission:

Labcorp Genetics (formerly Invitae), Labcorp
Classification: Uncertain significance. Last evaluated: 2025-09-13. Review status: criteria provided, single submitter. Criteria: Invitae Variant Classification Sherloc (09022015). Collection method: clinical testing. Allele origin: germline.
Comment: This sequence change replaces serine, which is neutral and polar, with arginine, which is basic and polar, at codon 784 of the BACH2 protein (p.Ser784Arg). This variant is not present in population databases (gnomAD no frequency). This variant has not been reported in the literature in individuals affected with BACH2-related conditions. ClinVar contains an entry for this variant (Variation ID: 3615704). Invitae Evidence Modeling of protein sequence and biophysical properties (such as structural, functional, and spatial information, amino acid conservation, physicochemical variation, residue mobility, and thermodynamic stability) indicates that this missense variant is not expected to disrupt BACH2 protein function with a negative predictive value of 80%. In summary, the available evidence is currently insufficient to determine the role of this variant in disease. Therefore, it has been classified as a Variant of Uncertain Significance.

NM_021813.4(BACH2):c.2352C>G (p.Ser784Arg)

Gene: BACH2 (BACH transcriptional regulator 2; minus strand). Cytogenetic location: 6q15.
Variant type: single nucleotide variant.
Coding change: c.2352C>G on transcript NM_021813.4 (MANE Select); coding-DNA position 2352, C replaced by G.
Protein change: p.Ser784Arg; replaces serine 784 with arginine.
Molecular consequence: missense variant.
Genome position (GRCh38, 1-based): chr6:89,932,582, G>C on the plus strand (C>G on the coding strand, the complement: BACH2 is on the minus strand). VCF-style: chr6-89932582-G-C. GRCh37 (hg19) VCF-style: chr6-90642301-G-C.
Other names: c.2352C>G, p.Ser784Arg (NM_001170794.2); short protein forms S784R.
Identifiers: ClinVar variation 3615704 (VCV003615704.2).